The following is an entry in ClinVar:

ClinVar aggregate classification (germline): Benign/Likely benign. Review status: criteria provided, multiple submitters, no conflicts (2 of 4 stars). 5 submissions from 5 submitters: Benign (1); Likely benign (3). 1 of the submissions does not count toward it. Last evaluated 2026-01-09.

Conditions:
Xeroderma pigmentosum (XP). Identifiers: Orphanet 910, MedGen C0043346, MONDO:0019600.
Xeroderma pigmentosum variant type. Also called: PHOTOSENSITIVITY WITH DEFECTIVE DNA SYNTHESIS; XERODERMA PIGMENTOSUM WITH NORMAL DNA REPAIR RATES; POLH-Related Xeroderma Pigmentosum. Identifiers: Orphanet 90342, MedGen C1848410, MONDO:0010214, OMIM 278750.
POLH-related disorder. Also called: POLH-related condition.

Allele frequency attached by ClinVar (database versions not stated): TOPMed 0.00002; 1000 Genomes Project 30x 0.00047; 1000 Genomes Project 0.00060.
gnomAD v4.1: 427 of 1,602,872 alleles (0.027%); highest among the groups gnomAD compares: South Asian, 0.45%; 6 homozygotes.

Submissions (5):

Labcorp Genetics (formerly Invitae), Labcorp
Classification: Benign. Last evaluated: 2026-01-09. Review status: criteria provided, single submitter. Criteria: Invitae Variant Classification Sherloc (09022015). Collection method: clinical testing. Allele origin: germline.

CeGaT Center for Human Genetics Tuebingen
Classification: Likely benign. Last evaluated: 2023-03-01. Review status: criteria provided, single submitter. Criteria: CeGaT Center For Human Genetics Tuebingen Variant Classification Criteria Version 2. Collection method: clinical testing. Allele origin: germline. Affected: yes. Observed: 1 variant allele.
Comment: POLH: BP4, BP7, BS2

Sema4
Classification: Likely benign for Xeroderma pigmentosum. Last evaluated: 2022-02-17. Review status: criteria provided, single submitter. Criteria: Sema4 Curation Guidelines. Collection method: curation. Allele origin: germline.

Illumina Laboratory Services, Illumina
Classification: Likely benign for Xeroderma pigmentosum variant type. Last evaluated: 2018-01-12. Review status: criteria provided, single submitter. Criteria: ICSL Variant Classification Criteria 13 December 2019. Collection method: clinical testing. Allele origin: germline.
Comment: This variant was observed in the ICSL laboratory as part of a predisposition screen in an ostensibly healthy population. It had not been previously curated by ICSL or reported in the Human Gene Mutation Database (HGMD: prior to June 1st, 2018), and was therefore a candidate for classification through an automated scoring system. Utilizing variant allele frequency, disease prevalence and penetrance estimates, and inheritance mode, an automated score was calculated to assess if this variant is too frequent to cause the disease. Based on the score and internal cut-off values, a variant classified as likely benign is not then subjected to further curation. The score for this variant resulted in a classification of likely benign for this disease.

PreventionGenetics, part of Exact Sciences
Classification: Likely benign for POLH-related condition. Last evaluated: 2019-04-12. Review status: no assertion criteria provided. Collection method: clinical testing. Allele origin: germline. Not counted in ClinVar's aggregate classification.
Comment: This variant is classified as likely benign based on ACMG/AMP sequence variant interpretation guidelines (Richards et al. 2015 PMID: 25741868, with internal and published modifications).

NM_006502.3(POLH):c.1896A>G (p.Gln632=)

Gene: POLH (DNA polymerase eta; plus strand). Cytogenetic location: 6p21.1.
Variant type: single nucleotide variant.
Coding change: c.1896A>G on transcript NM_006502.3 (MANE Select); coding-DNA position 1896, A replaced by G.
Protein change: p.Gln632=; no amino-acid change (glutamine 632 retained).
Molecular consequence: synonymous variant. On other transcripts: 3 prime UTR variant (1).
Genome position (GRCh38, 1-based): chr6:43,614,311, A>G. VCF-style: chr6-43614311-A-G. GRCh37 (hg19) VCF-style: chr6-43582048-A-G.
Other names: c.1524A>G, p.Gln508= (NM_001291969.2); c.*580A>G (NM_001291970.2).
Identifiers: ClinVar variation 356914 (VCV000356914.34), dbSNP rs139476900, ClinGen allele CA3827327.